The following is an entry in ClinVar:

NM_001371596.2(MFSD8):c.598T>C (p.Trp200Arg)

Gene: MFSD8 (major facilitator superfamily domain containing 8; minus strand). Cytogenetic location: 4q28.2.
Variant type: single nucleotide variant.
Coding change: c.598T>C on transcript NM_001371596.2 (MANE Select); coding-DNA position 598, T replaced by C.
Protein change: p.Trp200Arg; replaces tryptophan 200 with arginine.
Molecular consequence: missense variant. On other transcripts: intron variant (5).
Genome position (GRCh38, 1-based): chr4:127,939,953, A>G on the plus strand (T>C on the coding strand, the complement: MFSD8 is on the minus strand). VCF-style: chr4-127939953-A-G. GRCh37 (hg19) VCF-style: chr4-128861108-A-G.
Other names: c.463T>C, p.Trp155Arg (NM_001371590.2); c.598T>C, p.Trp200Arg (NM_001371591.2, NM_152778.4); c.604T>C, p.Trp202Arg (NM_001371592.2); c.484T>C, p.Trp162Arg (NM_001371593.2, NM_001410766.1); c.419-1117T>C (NM_001371595.1); c.304+3799T>C (NM_001410765.1); c.439+3799T>C (NM_001363521.3); c.553+2092T>C (NM_001363520.3); and 1 more; short protein forms W162R, W202R, W155R, W200R.
Identifiers: ClinVar variation 1446128 (VCV001446128.5), dbSNP rs2148907604, ClinGen allele CA358175515.

ClinVar aggregate classification (germline): Uncertain significance. Review status: criteria provided, multiple submitters, no conflicts (2 of 4 stars). 2 submissions from 2 submitters: Uncertain significance (2). Last evaluated 2024-03-12.

Conditions:
Neuronal ceroid lipofuscinosis 7 (CLN7). Also called: MFSD8-Related Neuronal Ceroid-Lipofuscinosis. Identifiers: Orphanet 168491, Orphanet 228366, MedGen C1838571, MONDO:0012588, OMIM 610951.

gnomAD v4.1: 17 of 1,613,650 alleles (0.0011%); highest among the groups gnomAD compares: Admixed American, 0.0033%; no homozygotes.

Submissions (2):

Blueprint Genetics
Classification: Uncertain significance. Last evaluated: 2024-03-12. Review status: criteria provided, single submitter. Criteria: ACMG Guidelines, 2015. Collection method: clinical testing. Allele origin: germline.

Labcorp Genetics (formerly Invitae), Labcorp
Classification: Uncertain significance for Neuronal ceroid lipofuscinosis 7. Last evaluated: 2022-10-05. Review status: criteria provided, single submitter. Criteria: Invitae Variant Classification Sherloc (09022015). Collection method: clinical testing. Allele origin: germline.
Comment: This sequence change replaces tryptophan, which is neutral and slightly polar, with arginine, which is basic and polar, at codon 200 of the MFSD8 protein (p.Trp200Arg). This variant is not present in population databases (gnomAD no frequency). This variant has not been reported in the literature in individuals affected with MFSD8-related conditions. ClinVar contains an entry for this variant (Variation ID: 1446128). Advanced modeling of protein sequence and biophysical properties (such as structural, functional, and spatial information, amino acid conservation, physicochemical variation, residue mobility, and thermodynamic stability) has been performed at Invitae for this missense variant, however the output from this modeling did not meet the statistical confidence thresholds required to predict the impact of this variant on MFSD8 protein function. Algorithms developed to predict the effect of sequence changes on RNA splicing suggest that this variant may create or strengthen a splice site. In summary, the available evidence is currently insufficient to determine the role of this variant in disease. Therefore, it has been classified as a Variant of Uncertain Significance.